The following is an entry in ClinVar:

ClinVar aggregate classification (germline): Uncertain significance. Review status: criteria provided, multiple submitters, no conflicts (2 of 4 stars). 2 submissions from 2 submitters: Uncertain significance (2). Last evaluated 2025-07-31.

Conditions:
Autosomal dominant polycystic kidney disease. Identifiers: Orphanet 730, MedGen C0085413, MONDO:0004691.
Polycystic kidney disease 2 (PKD2). Also called: Polycystic Kidney Disease 2, Autosomal Dominant; POLYCYSTIC KIDNEY DISEASE, ADULT, TYPE II; POLYCYSTIC KIDNEY DISEASE 2 WITH OR WITHOUT POLYCYSTIC LIVER DISEASE. Identifiers: MedGen C2751306, MONDO:0013131, OMIM 613095.

Allele frequency attached by ClinVar (database versions not stated): gnomAD exomes 0.00001.
gnomAD v4.1: 15 of 1,588,424 alleles (0.00094%); highest among the groups gnomAD compares: Non-Finnish European, 0.0012%; no homozygotes.

Submissions (2):

Labcorp Genetics (formerly Invitae), Labcorp
Classification: Uncertain significance for Autosomal dominant polycystic kidney disease. Last evaluated: 2025-07-31. Review status: criteria provided, single submitter. Criteria: Invitae Variant Classification Sherloc (09022015). Collection method: clinical testing. Allele origin: germline.
Comment: This sequence change replaces valine, which is neutral and non-polar, with phenylalanine, which is neutral and non-polar, at codon 569 of the PKD2 protein (p.Val569Phe). This variant is not present in population databases (gnomAD no frequency). This variant has not been reported in the literature in individuals affected with PKD2-related conditions. ClinVar contains an entry for this variant (Variation ID: 2896393). Invitae Evidence Modeling of protein sequence and biophysical properties (such as structural, functional, and spatial information, amino acid conservation, physicochemical variation, residue mobility, and thermodynamic stability) indicates that this missense variant is not expected to disrupt PKD2 protein function with a negative predictive value of 80%. In summary, the available evidence is currently insufficient to determine the role of this variant in disease. Therefore, it has been classified as a Variant of Uncertain Significance.

Fulgent Genetics
Classification: Uncertain significance for Polycystic kidney disease 2. Last evaluated: 2024-01-28. Review status: criteria provided, single submitter. Criteria: ACMG Guidelines, 2015. Collection method: clinical testing. Allele origin: germline.

NM_000297.4(PKD2):c.1705G>T (p.Val569Phe)

Gene: PKD2 (polycystin 2, transient receptor potential cation channel; plus strand). Cytogenetic location: 4q22.1.
Variant type: single nucleotide variant.
Coding change: c.1705G>T on transcript NM_000297.4 (MANE Select); coding-DNA position 1705, G replaced by T.
Protein change: p.Val569Phe; replaces valine 569 with phenylalanine.
Molecular consequence: missense variant. On other transcripts: non-coding transcript variant (1).
Genome position (GRCh38, 1-based): chr4:88,052,147, G>T. VCF-style: chr4-88052147-G-T. GRCh37 (hg19) VCF-style: chr4-88973299-G-T.
Other names: short protein forms V569F.
Identifiers: ClinVar variation 2896393 (VCV002896393.4), dbSNP rs1560617519, ClinGen allele CA357622379.
Genomic context (GRCh38, chr4:88,052,147, plus strand): 5'-GAGCATCTGGCATATTGGCAGATACAGTTCAACAATATAGCTGCTGTCACAGTATTTTTT[G>T]TCTGGATTAAGGTAATTTATAAATTTCATGTTCTACATTTTAAATAATATTTTCTTTAAA-3'
Protein context (NP_000288.1, residues 559-579): NNIAAVTVFF[Val569Phe]WIKLFKFINF